The following is an entry in ClinVar:

NM_015272.5(RPGRIP1L):c.170T>A (p.Leu57Ter)

Gene: RPGRIP1L (RPGRIP1 like; minus strand). Cytogenetic location: 16q12.2.
Variant type: single nucleotide variant.
Coding change: c.170T>A on transcript NM_015272.5 (MANE Select); coding-DNA position 170, T replaced by A.
Protein change: p.Leu57Ter; replaces leucine 57 with a stop codon.
Molecular consequence: nonsense.
Genome position (GRCh38, 1-based): chr16:53,696,211, A>T on the plus strand (T>A on the coding strand, the complement: RPGRIP1L is on the minus strand). VCF-style: chr16-53696211-A-T. GRCh37 (hg19) VCF-style: chr16-53730123-A-T.
Other names: c.170T>A, p.Leu57Ter (NM_001127897.4, NM_001308334.3, NM_001328422.2 and 2 more transcripts); short protein forms L57*.
Identifiers: ClinVar variation 1071109 (VCV001071109.8), dbSNP rs2151379380, ClinGen allele CA395925935.

ClinVar aggregate classification (germline): Pathogenic/Likely pathogenic. Review status: criteria provided, multiple submitters, no conflicts (2 of 4 stars). 2 submissions from 2 submitters: Pathogenic (1); Likely pathogenic (1). Last evaluated 2024-05-13.

Conditions:
Joubert syndrome 7 (JBTS7). Identifiers: Orphanet 220497, MedGen C1969053, MONDO:0012694, OMIM 611560.
Meckel syndrome, type 5 (MKS5). Identifiers: Orphanet 564, MedGen C1969052, MONDO:0012695, OMIM 611561.
COACH syndrome 3. Identifiers: MedGen C5436841, MONDO:0030862, OMIM 619113.
Joubert syndrome. Also called: Familial aplasia of the vermis; CEREBELLOPARENCHYMAL DISORDER IV; JOUBERT-BOLTSHAUSER SYNDROME. Identifiers: Orphanet 475, MedGen C5979921, MONDO:0018772.
Meckel-Gruber syndrome. Also called: Dysencephalia splachnocystica; DYSENCEPHALIA SPLANCHNOCYSTICA; GRUBER SYNDROME. Identifiers: Orphanet 564, MedGen C0265215, MONDO:0018921.

Submissions (2):

Fulgent Genetics
Classification: Likely pathogenic for Joubert syndrome 7; Meckel syndrome, type 5; COACH syndrome 3. Last evaluated: 2024-05-13. Review status: criteria provided, single submitter. Criteria: ACMG Guidelines, 2015. Collection method: clinical testing. Allele origin: germline.

Labcorp Genetics (formerly Invitae), Labcorp
Classification: Pathogenic for Joubert syndrome; Meckel-Gruber syndrome. Last evaluated: 2023-02-22. Review status: criteria provided, single submitter. Criteria: Invitae Variant Classification Sherloc (09022015). Collection method: clinical testing. Allele origin: germline.
Comment: This sequence change creates a premature translational stop signal (p.Leu57*) in the RPGRIP1L gene. It is expected to result in an absent or disrupted protein product. Loss-of-function variants in RPGRIP1L are known to be pathogenic (PMID: 17558409). This variant is not present in population databases (gnomAD no frequency). This variant has not been reported in the literature in individuals affected with RPGRIP1L-related conditions. ClinVar contains an entry for this variant (Variation ID: 1071109). For these reasons, this variant has been classified as Pathogenic.

Literature cited by the submitters: PubMed 17558409 (cited by Labcorp Genetics (formerly Invitae), Labcorp).